The following is an entry in ClinVar:

ClinVar aggregate classification (germline): Uncertain significance (1 of 4 stars; one submission).

Conditions:
Inborn genetic diseases. Identifiers: MedGen C0950123, MeSH D030342.

Allele frequency attached by ClinVar (database versions not stated): gnomAD exomes below 0.00001; TOPMed 0.00001.

Submission:

Ambry Genetics
Classification: Uncertain significance for Inborn genetic diseases. Last evaluated: 2020-11-12. Review status: criteria provided, single submitter. Criteria: Ambry Variant Classification Scheme 2023. Collection method: clinical testing. Allele origin: germline.
Comment: The p.N1739S variant (also known as c.5216A>G), located in coding exon 8 of the SETX gene, results from an A to G substitution at nucleotide position 5216. The asparagine at codon 1739 is replaced by serine, an amino acid with highly similar properties. This amino acid position is poorly conserved in available vertebrate species. In addition, this alteration is predicted to be tolerated by in silico analysis. Since supporting evidence is limited at this time, the clinical significance of this alteration remains unclear.

NM_015046.7(SETX):c.5216A>G (p.Asn1739Ser)

Gene: SETX (senataxin; minus strand). Cytogenetic location: 9q34.13.
Variant type: single nucleotide variant.
Coding change: c.5216A>G on transcript NM_015046.7 (MANE Select); coding-DNA position 5216, A replaced by G.
Protein change: p.Asn1739Ser; replaces asparagine 1739 with serine.
Molecular consequence: missense variant.
Genome position (GRCh38, 1-based): chr9:132,326,382, T>C on the plus strand (A>G on the coding strand, the complement: SETX is on the minus strand). VCF-style: chr9-132326382-T-C. GRCh37 (hg19) VCF-style: chr9-135201769-T-C.
Other names: c.5216A>G, p.Asn1739Ser (NM_001351527.2, NM_001351528.2); short protein forms N1739S.
Identifiers: ClinVar variation 1746131 (VCV001746131.2), dbSNP rs899084459, ClinGen allele CA200806170.
Genomic context (GRCh38, chr9:132,326,382, plus strand): 5'-ACTGTTTCAAAAGTATTCAATACCATCAAAGGGAAAAAAACATTAAAATAATCTCCATAA[T>C]TGTGAAATCTGACAGGCACAGGTCTTGAGATGGACTGACAAAGACTTGCAGGGGGCCCAC-3'
Protein context (NP_055861.3, residues 1729-1749): ISRPVPVRFH[Asn1739Ser]YGDYFNVFFP